The following is an entry in ClinVar:

NM_001378454.1(ALMS1):c.10064A>G (p.Gln3355Arg)

Gene: ALMS1 (ALMS1 centrosome and basal body associated protein; plus strand). Cytogenetic location: 2p13.1.
Variant type: single nucleotide variant.
Coding change: c.10064A>G on transcript NM_001378454.1 (MANE Select); coding-DNA position 10064, A replaced by G.
Protein change: p.Gln3355Arg; replaces glutamine 3355 with arginine.
Molecular consequence: missense variant.
Genome position (GRCh38, 1-based): chr2:73,550,423, A>G. VCF-style: chr2-73550423-A-G. GRCh37 (hg19) VCF-style: chr2-73777550-A-G.
Other names: c.10067A>G, p.Gln3356Arg (NM_015120.4); short protein forms Q3356R, Q3355R.
Identifiers: ClinVar variation 2044126 (VCV002044126.2), dbSNP rs2466385972, ClinGen allele CA347272747.
Genomic context (GRCh38, chr2:73,550,423, plus strand): 5'-GAATCTACAGTAAGAGGGTAGTGACTAAGGCATCCTTGCCAGTGGGAGAAAAACCCTTGC[A>G]GAATGAAAATGCAGGTAACTGGATTGGCTTTGTATACTTTGTAGCTTTTTCTCCCCTTTT-3'
Protein context (NP_001365383.1, residues 3345-3365): ASLPVGEKPL[Gln3355Arg]NENADASVQV

ClinVar aggregate classification (germline): Uncertain significance (1 of 4 stars; one submission).

Conditions:
Alstrom syndrome (ALMS). Identifiers: Orphanet 64, MedGen C0268425, MONDO:0008763, OMIM 203800.

Submission:

Labcorp Genetics (formerly Invitae), Labcorp
Classification: Uncertain significance for Alstrom syndrome. Last evaluated: 2022-10-25. Review status: criteria provided, single submitter. Criteria: Invitae Variant Classification Sherloc (09022015). Collection method: clinical testing. Allele origin: germline.
Comment: In summary, the available evidence is currently insufficient to determine the role of this variant in disease. Therefore, it has been classified as a Variant of Uncertain Significance. Experimental studies and prediction algorithms are not available or were not evaluated, and the functional significance of this variant is currently unknown. This variant has not been reported in the literature in individuals affected with ALMS1-related conditions. This variant is not present in population databases (gnomAD no frequency). This sequence change replaces glutamine, which is neutral and polar, with arginine, which is basic and polar, at codon 3356 of the ALMS1 protein (p.Gln3356Arg).